The following is an entry in ClinVar:

NM_000410.4(HFE):c.616+1G>A

Gene: HFE (homeostatic iron regulator; plus strand). Cytogenetic location: 6p22.2.
Variant type: single nucleotide variant.
Coding change: c.616+1G>A on transcript NM_000410.4 (MANE Select); the canonical splice donor site of the intron after coding-DNA position 616, G replaced by A.
Molecular consequence: splice donor variant. On other transcripts: intron variant (4).
Genome position (GRCh38, 1-based): chr6:26,091,590, G>A. VCF-style: chr6-26091590-G-A. GRCh37 (hg19) VCF-style: chr6-26091818-G-A.
Other names: c.616+1G>A (NM_001406751.1, NM_001384164.1, NM_001300749.3 and 2 more transcripts); c.340+486G>A (NM_139004.3, NM_139003.3); c.547+1G>A (NM_139009.3); c.352+1G>A (NM_139007.3, NM_001406752.1, NM_139008.3); c.77-1095G>A (NM_139010.3); c.77-1529G>A (NM_139011.3).
Identifiers: ClinVar variation 3075867 (VCV003075867.3), dbSNP rs773443949, ClinGen allele CA363207312.

ClinVar aggregate classification (germline): Pathogenic/Likely pathogenic. Review status: criteria provided, multiple submitters, no conflicts (2 of 4 stars). 3 submissions from 3 submitters: Pathogenic (1); Likely pathogenic (2). Last evaluated 2025-09-03.

Conditions:
Hemochromatosis type 1 (HFE1). Also called: HFE-Associated Hereditary Hemochromatosis; HFE-Related Hemochromatosis. Identifiers: Orphanet 465508, MedGen C3469186, MONDO:0021001, OMIM 235200. Disease mechanism: loss of function.
Hereditary hemochromatosis (HFE). Identifiers: MedGen C0392514, MONDO:0006507. Disease mechanism: loss of function.
Juvenile hemochromatosis. Also called: Hemochromatosis type 2. Identifiers: Orphanet 79230, MedGen C0268060, MONDO:0019257.

Submissions (3):

Labcorp Genetics (formerly Invitae), Labcorp
Classification: Pathogenic for Hereditary hemochromatosis. Last evaluated: 2025-09-03. Review status: criteria provided, single submitter. Criteria: Invitae Variant Classification Sherloc (09022015). Collection method: clinical testing. Allele origin: germline.
Comment: This sequence change affects a donor splice site in intron 3 of the HFE gene. It is expected to disrupt RNA splicing. Variants that disrupt the donor or acceptor splice site typically lead to a loss of protein function (PMID: 16199547), and loss-of-function variants in HFE are known to be pathogenic (PMID: 27518069). This variant is not present in population databases (gnomAD no frequency). Disruption of this splice site has been observed in individual(s) with hereditary hemochromatosis (PMID: 10348824). In at least one individual the data is consistent with being in trans (on the opposite chromosome) from a pathogenic variant. ClinVar contains an entry for this variant (Variation ID: 3075867). Algorithms developed to predict the effect of sequence changes on RNA splicing suggest that this variant may disrupt the consensus splice site. For these reasons, this variant has been classified as Pathogenic.

Revvity Omics, Revvity
Classification: Likely pathogenic for Hemochromatosis type 1. Last evaluated: 2024-12-10. Review status: criteria provided, single submitter. Criteria: ACMG Guidelines, 2015. Collection method: clinical testing. Allele origin: germline.

Laboratory for Molecular Medicine, Mass General Brigham Personalized Medicine
Classification: Likely pathogenic for Juvenile hemochromatosis. Last evaluated: 2022-06-30. Review status: criteria provided, single submitter. Criteria: ACMG Guidelines, 2015. Collection method: clinical testing. Allele origin: germline.
Comment: The c.616+1G>A variant in HFE has not been previously reported in individuals with hemochromatosis and was absent from large population studies. This variant occurs within the canonical splice site (+/- 1,2) and is predicted to cause altered splicing leading to an abnormal or absent protein. Loss of function of the HFE gene is an established disease mechanism in autosomal recessive hemochromatosis. A different variant (c.616+1G>T) has been reported in trans with a pathogenic variant an individual with classical hemochromatosis and segregated in an affected sibling (Wallace 1999 PMID: 10348824). In summary, although additional studies are required to fully establish its clinical significance, this variant meets criteria to be classified as likely pathogenic for autosomal recessive hemochromatosis type 1. ACMG/AMP criteria applied: PVS1_Strong, PM5, PM2_Supporting.

Literature cited by the submitters: PubMed 16199547 (cited by Labcorp Genetics (formerly Invitae), Labcorp); PubMed 27518069 (cited by Labcorp Genetics (formerly Invitae), Labcorp); PubMed 10348824 (cited by Labcorp Genetics (formerly Invitae), Labcorp).